The following is an entry in ClinVar:

NM_033310.3(KCNK4):c.152C>A (p.Pro51Gln)

Genes: KCNK4 (potassium two pore domain channel subfamily K member 4; plus strand), KCNK4-CATSPERZ (KCNK4-CATSPERZ readthrough (NMD candidate); plus strand). Cytogenetic location: 11q13.1.
Variant type: single nucleotide variant.
Coding change: c.152C>A on transcript NM_033310.3 (MANE Select); coding-DNA position 152, C replaced by A.
Protein change: p.Pro51Gln; replaces proline 51 with glutamine.
Molecular consequence: missense variant. On other transcripts: non-coding transcript variant (2).
Genome position (GRCh38, 1-based): chr11:64,293,170, C>A. VCF-style: chr11-64293170-C-A. GRCh37 (hg19) VCF-style: chr11-64060642-C-A.
Other names: c.152C>A, p.Pro51Gln (NM_001317090.2); short protein forms P51Q.
Identifiers: ClinVar variation 3618688 (VCV003618688.1).

ClinVar aggregate classification (germline): Uncertain significance (1 of 4 stars; one submission).

Submission:

Labcorp Genetics (formerly Invitae), Labcorp
Classification: Uncertain significance. Last evaluated: 2024-11-03. Review status: criteria provided, single submitter. Criteria: Invitae Variant Classification Sherloc (09022015). Collection method: clinical testing. Allele origin: germline.
Comment: This sequence change replaces proline, which is neutral and non-polar, with glutamine, which is neutral and polar, at codon 51 of the KCNK4 protein (p.Pro51Gln). This variant is not present in population databases (gnomAD no frequency). This variant has not been reported in the literature in individuals affected with KCNK4-related conditions. An algorithm developed to predict the effect of missense changes on protein structure and function (PolyPhen-2) suggests that this variant is likely to be disruptive. In summary, the available evidence is currently insufficient to determine the role of this variant in disease. Therefore, it has been classified as a Variant of Uncertain Significance.